The following is an entry in ClinVar:

NM_001849.4(COL6A2):c.1522-3C>T

Gene: COL6A2 (collagen type VI alpha 2 chain; plus strand). Cytogenetic location: 21q22.3.
Variant type: single nucleotide variant.
Coding change: c.1522-3C>T on transcript NM_001849.4 (MANE Select); 3 bases into the intron before coding-DNA position 1522, C replaced by T.
Molecular consequence: intron variant.
Genome position (GRCh38, 1-based): chr21:46,122,105, C>T. VCF-style: chr21-46122105-C-T. GRCh37 (hg19) VCF-style: chr21-47542019-C-T.
Other names: c.1522-3C>T (NM_058175.3, NM_058174.3).
Identifiers: ClinVar variation 3003492 (VCV003003492.4), dbSNP rs2078575871, ClinGen allele CA2392504523.

ClinVar aggregate classification (germline): Uncertain significance. Review status: criteria provided, multiple submitters, no conflicts (2 of 4 stars). 2 submissions from 2 submitters: Uncertain significance (2). Last evaluated 2023-11-28.

Conditions:
Bethlem myopathy 1A. Also called: MYOPATHY, BENIGN CONGENITAL, WITH CONTRACTURES; Bethlem myopathy 1; Bethlem Muscular Dystrophy. Identifiers: Orphanet 610, MedGen CN029274, MONDO:0024530, OMIM 158810.

Allele frequency attached by ClinVar (database versions not stated): gnomAD exomes below 0.00001.
gnomAD v4.1: 2 of 1,612,744 alleles (0.00012%); highest among the groups gnomAD compares: East Asian, 0.0022%; no homozygotes.

Submissions (2):

Revvity Omics, Revvity
Classification: Uncertain significance. Last evaluated: 2023-11-28. Review status: criteria provided, single submitter. Criteria: ACMG Guidelines, 2015. Collection method: clinical testing. Allele origin: germline.

Labcorp Genetics (formerly Invitae), Labcorp
Classification: Uncertain significance for Bethlem myopathy 1A. Last evaluated: 2023-11-18. Review status: criteria provided, single submitter. Criteria: Invitae Variant Classification Sherloc (09022015). Collection method: clinical testing. Allele origin: germline.
Comment: This sequence change falls in intron 18 of the COL6A2 gene. It does not directly change the encoded amino acid sequence of the COL6A2 protein. It affects a nucleotide within the consensus splice site. This variant is not present in population databases (gnomAD no frequency). This variant has not been reported in the literature in individuals affected with COL6A2-related conditions. Variants that disrupt the consensus splice site are a relatively common cause of aberrant splicing (PMID: 17576681, 9536098). Algorithms developed to predict the effect of sequence changes on RNA splicing suggest that this variant is not likely to affect RNA splicing. In summary, the available evidence is currently insufficient to determine the role of this variant in disease. Therefore, it has been classified as a Variant of Uncertain Significance.

Literature cited by the submitters: PubMed 17576681 (cited by Labcorp Genetics (formerly Invitae), Labcorp); PubMed 9536098 (cited by Labcorp Genetics (formerly Invitae), Labcorp).